The following is an entry in ClinVar:

ClinVar aggregate classification (germline): Pathogenic. Review status: criteria provided, multiple submitters, no conflicts (2 of 4 stars). 4 submissions from 4 submitters: Pathogenic (2). 2 of the submissions do not count toward it. Last evaluated 2022-12-02.

Conditions:
Primary pulmonary hypertension. Also called: Idiopathic pulmonary hypertension. Identifiers: MedGen C0152171.
Pulmonary hypertension, primary, 1 (PPH1). Also called: Pulmonary hypertension, familial primary, 1, with or without HHT. Identifiers: Orphanet 422, MedGen C4552070, MONDO:0024533, OMIM 178600.
Idiopathic and/or familial pulmonary arterial hypertension. Identifiers: Orphanet 422, MedGen C5679820, MONDO:0008347.
Pulmonary arterial hypertension. Identifiers: Orphanet 182090, MedGen C2973725, MeSH D000081029, MONDO:0015924, HP:0002092.

Submissions (4):

GeneDx
Classification: Pathogenic. Last evaluated: 2022-12-02. Review status: criteria provided, single submitter. Criteria: GeneDx Variant Classification Process June 2021. Collection method: clinical testing. Allele origin: germline. Affected: yes.
Comment: Nonsense variant predicted to result in protein truncation or nonsense mediated decay in a gene for which loss of function is a known mechanism of disease; Not observed at significant frequency in large population cohorts (gnomAD); This variant is associated with the following publications: (PMID: 26387786, 32634488, 31727138)

Labcorp Genetics (formerly Invitae), Labcorp
Classification: Pathogenic for Primary pulmonary hypertension. Last evaluated: 2020-11-23. Review status: criteria provided, single submitter. Criteria: Invitae Variant Classification Sherloc (09022015). Collection method: clinical testing. Allele origin: germline.
Comment: This variant has been observed in individual(s) with pulmonary arterial hypertension (PMID: 26387786, 31727138). ClinVar contains an entry for this variant (Variation ID: 425947). This variant is not present in population databases (ExAC no frequency). This sequence change creates a premature translational stop signal (p.Trp484*) in the BMPR2 gene. It is expected to result in an absent or disrupted protein product. Loss-of-function variants in BMPR2 are known to be pathogenic (PMID: 16429395). For these reasons, this variant has been classified as Pathogenic.

Rare Disease Genomics Group, St George's University of London
Classification: Pathogenic for Primary pulmonary hypertension. Review status: no assertion criteria provided. Collection method: literature only. Allele origin: germline. Affected: yes. Not counted in ClinVar's aggregate classification.

Wendy Chung Laboratory, Boston Children's Hospital
No classification provided. Condition: Idiopathic and/or familial pulmonary arterial hypertension. Review status: no classification provided. Collection method: literature only. Allele origin: germline. Affected: yes. Not counted in ClinVar's aggregate classification.

Literature cited by the submitters: PubMed 26387786 (cited by Labcorp Genetics (formerly Invitae), Labcorp and Rare Disease Genomics Group, St George's University of London); PubMed 31727138 (cited by Labcorp Genetics (formerly Invitae), Labcorp and Wendy Chung Laboratory, Boston Children's Hospital); PubMed 16429395 (cited by Labcorp Genetics (formerly Invitae), Labcorp).

NM_001204.7(BMPR2):c.1451G>A (p.Trp484Ter)

Gene: BMPR2 (bone morphogenetic protein receptor type 2; plus strand). Cytogenetic location: 2q33.2.
Variant type: single nucleotide variant.
Coding change: c.1451G>A on transcript NM_001204.7 (MANE Select); coding-DNA position 1451, G replaced by A.
Protein change: p.Trp484Ter; replaces tryptophan 484 with a stop codon.
Molecular consequence: nonsense.
Genome position (GRCh38, 1-based): chr2:202,552,753, G>A. VCF-style: chr2-202552753-G-A. GRCh37 (hg19) VCF-style: chr2-203417476-G-A.
Other names: c.1451G>A, p.W484* (LRG_712t1); short protein forms W484*.
Identifiers: ClinVar variation 425947 (VCV000425947.11), dbSNP rs1085307355, ClinGen allele CA350344485.